The following is an entry in ClinVar:

NM_000081.4(LYST):c.9068T>G (p.Val3023Gly)

Gene: LYST (lysosomal trafficking regulator; minus strand). Cytogenetic location: 1q42.3.
Variant type: single nucleotide variant.
Coding change: c.9068T>G on transcript NM_000081.4 (MANE Select); coding-DNA position 9068, T replaced by G.
Protein change: p.Val3023Gly; replaces valine 3023 with glycine.
Molecular consequence: missense variant.
Genome position (GRCh38, 1-based): chr1:235,729,634, A>C on the plus strand (T>G on the coding strand, the complement: LYST is on the minus strand). VCF-style: chr1-235729634-A-C. GRCh37 (hg19) VCF-style: chr1-235892934-A-C.
Other names: c.9068T>G, p.Val3023Gly (NM_001301365.1); short protein forms V3023G.
Identifiers: ClinVar variation 2009446 (VCV002009446.4), dbSNP rs2527516777, ClinGen allele CA344948727.

ClinVar aggregate classification (germline): Uncertain significance (1 of 4 stars; one submission).

Conditions:
Chédiak-Higashi syndrome (CHS). Also called: Chediak-Higashi Syndrome. Identifiers: Orphanet 167, MedGen C0007965, MONDO:0008963, OMIM 214500.

Submission:

Labcorp Genetics (formerly Invitae), Labcorp
Classification: Uncertain significance for Chédiak-Higashi syndrome. Last evaluated: 2022-06-22. Review status: criteria provided, single submitter. Criteria: Invitae Variant Classification Sherloc (09022015). Collection method: clinical testing. Allele origin: germline.
Comment: In summary, the available evidence is currently insufficient to determine the role of this variant in disease. Therefore, it has been classified as a Variant of Uncertain Significance. Algorithms developed to predict the effect of missense changes on protein structure and function are either unavailable or do not agree on the potential impact of this missense change (SIFT: "Tolerated"; PolyPhen-2: "Probably Damaging"; Align-GVGD: "Class C0"). This variant has not been reported in the literature in individuals affected with LYST-related conditions. This variant is not present in population databases (gnomAD no frequency). This sequence change replaces valine, which is neutral and non-polar, with glycine, which is neutral and non-polar, at codon 3023 of the LYST protein (p.Val3023Gly).